The following is an entry in ClinVar:

NM_004360.5(CDH1):c.414A>G (p.Glu138=)

Gene: CDH1 (cadherin 1; plus strand). Cytogenetic location: 16q22.1.
Variant type: single nucleotide variant.
Coding change: c.414A>G on transcript NM_004360.5 (MANE Select); coding-DNA position 414, A replaced by G.
Protein change: p.Glu138=; no amino-acid change (glutamic acid 138 retained).
Molecular consequence: synonymous variant. On other transcripts: 5 prime UTR variant (2).
Genome position (GRCh38, 1-based): chr16:68,808,450, A>G. VCF-style: chr16-68808450-A-G. GRCh37 (hg19) VCF-style: chr16-68842353-A-G.
Other names: c.414A>G, p.Glu138= (NM_001317184.2); c.-1202A>G (NM_001317185.2); c.-1406A>G (NM_001317186.2); c.414A>G (LRG_301t1).
Identifiers: ClinVar variation 496232 (VCV000496232.4), dbSNP rs1555515193, ClinGen allele CA496392167.

ClinVar aggregate classification (germline): Benign/Likely benign. Review status: criteria provided, multiple submitters, no conflicts (2 of 4 stars). 3 submissions from 3 submitters: Benign (1); Likely benign (2). Last evaluated 2025-05-26.

Conditions:
Hereditary cancer-predisposing syndrome. Also called: Tumor predisposition; Hereditary neoplastic syndrome; Neoplastic Syndromes, Hereditary; Hereditary Cancer Syndrome. Identifiers: Orphanet 140162, MedGen C0027672, MeSH D009386, MONDO:0015356.
Hereditary diffuse gastric adenocarcinoma (HDGC). Also called: DIFFUSE GASTRIC AND LOBULAR BREAST CANCER SYNDROME. Identifiers: Orphanet 26106, MedGen C1708349, MONDO:0007648, OMIM 137215.

Allele frequency attached by ClinVar (database versions not stated): gnomAD exomes below 0.00001.

Submissions (3):

Ambry Genetics
Classification: Likely benign for Hereditary cancer-predisposing syndrome. Last evaluated: 2025-05-26. Review status: criteria provided, single submitter. Criteria: Ambry Variant Classification Scheme 2023. Collection method: clinical testing. Allele origin: germline.

Myriad Genetics, Inc.
Classification: Benign for Hereditary diffuse gastric adenocarcinoma. Last evaluated: 2024-09-12. Review status: criteria provided, single submitter. Criteria: Myriad Autosomal Dominant, Autosomal Recessive and X-Linked Classification Criteria (2023). Collection method: clinical testing. Allele origin: unknown.
Comment: This variant is considered benign. This variant is a silent/synonymous amino acid change and it is not expected to impact splicing.

Women's Health and Genetics/Laboratory Corporation of America, LabCorp
Classification: Likely benign. Last evaluated: 2019-08-28. Review status: criteria provided, single submitter. Criteria: LabCorp Variant Classification Summary - May 2015. Collection method: clinical testing. Allele origin: germline.